The following is an entry in ClinVar:

ClinVar aggregate classification (germline): Benign/Likely benign. Review status: criteria provided, multiple submitters, no conflicts (2 of 4 stars). 4 submissions from 4 submitters: Benign (1); Likely benign (2). 1 of the submissions does not count toward it. Last evaluated 2025-12-02.

Conditions:
MAGI2-related disorder. Also called: MAGI2-related condition.

Allele frequency attached by ClinVar (database versions not stated): 1000 Genomes Project 30x 0.00219; 1000 Genomes Project 0.00280; gnomAD 0.00039 and 0.00056; TOPMed 0.00062; gnomAD exomes 0.00093; ExAC 0.00096.
gnomAD v4.1: 610 of 1,610,442 alleles (0.038%); highest among the groups gnomAD compares: East Asian, 1%; 5 homozygotes.

Submissions (4):

Labcorp Genetics (formerly Invitae), Labcorp
Classification: Benign. Last evaluated: 2025-12-02. Review status: criteria provided, single submitter. Criteria: Invitae Variant Classification Sherloc (09022015). Collection method: clinical testing. Allele origin: germline.

Blueprint Genetics
Classification: Likely benign. Last evaluated: 2024-11-25. Review status: criteria provided, single submitter. Criteria: ACMG Guidelines, 2015. Collection method: clinical testing. Allele origin: germline.

CeGaT Center for Human Genetics Tuebingen
Classification: Likely benign. Last evaluated: 2024-02-01. Review status: criteria provided, single submitter. Criteria: CeGaT Center For Human Genetics Tuebingen Variant Classification Criteria Version 2. Collection method: clinical testing. Allele origin: germline. Affected: yes. Observed: 1 variant allele.
Comment: MAGI2: BP4, BP7, BS1

PreventionGenetics, part of Exact Sciences
Classification: Benign for MAGI2-related condition. Last evaluated: 2019-06-26. Review status: no assertion criteria provided. Collection method: clinical testing. Allele origin: germline. Not counted in ClinVar's aggregate classification.
Comment: This variant is classified as benign based on ACMG/AMP sequence variant interpretation guidelines (Richards et al. 2015 PMID: 25741868, with internal and published modifications).

NM_012301.4(MAGI2):c.3765C>T (p.Gly1255=)

Gene: MAGI2 (membrane associated guanylate kinase, WW and PDZ domain containing 2; minus strand). Cytogenetic location: 7q21.11.
Variant type: single nucleotide variant.
Coding change: c.3765C>T on transcript NM_012301.4 (MANE Select); coding-DNA position 3765, C replaced by T.
Protein change: p.Gly1255=; no amino-acid change (glycine 1255 retained).
Molecular consequence: synonymous variant.
Genome position (GRCh38, 1-based): chr7:78,019,918, G>A on the plus strand (C>T on the coding strand, the complement: MAGI2 is on the minus strand). VCF-style: chr7-78019918-G-A. GRCh37 (hg19) VCF-style: chr7-77649235-G-A.
Other names: c.3723C>T, p.Gly1241= (NM_001301128.2).
Identifiers: ClinVar variation 719019 (VCV000719019.33), dbSNP rs187773786, ClinGen allele CA4313394.